The following is an entry in ClinVar:

ClinVar aggregate classification (germline): Conflicting classifications of pathogenicity. Review status: criteria provided, conflicting classifications (1 of 4 stars). 4 submissions from 4 submitters: Uncertain significance (3); Likely benign (1). Last evaluated 2024-12-21.

Conditions:
Noonan syndrome and Noonan-related syndrome. Identifiers: Orphanet 98733, MedGen C5681679, MONDO:0020297.
Noonan syndrome 9 (NS9). Identifiers: Orphanet 648, MedGen C4225282, MONDO:0014691, OMIM 616559.
Cardiovascular phenotype. Identifiers: MedGen CN230736.

Allele frequency attached by ClinVar (database versions not stated): gnomAD exomes 0.00001; TOPMed 0.00001; gnomAD 0.00002.
gnomAD v4.1: 13 of 1,579,362 alleles (0.00082%); highest among the groups gnomAD compares: Non-Finnish European, 0.0011%; no homozygotes.

Submissions (4):

Labcorp Genetics (formerly Invitae), Labcorp
Classification: Likely benign for Noonan syndrome 9. Last evaluated: 2024-12-21. Review status: criteria provided, single submitter. Criteria: Invitae Variant Classification Sherloc (09022015). Collection method: clinical testing. Allele origin: germline.

Ambry Genetics
Classification: Uncertain significance for Cardiovascular phenotype. Last evaluated: 2022-05-09. Review status: criteria provided, single submitter. Criteria: Ambry Variant Classification Scheme 2023. Collection method: clinical testing. Allele origin: germline.
Comment: The p.V122M variant (also known as c.364G>A), located in coding exon 4 of the SOS2 gene, results from a G to A substitution at nucleotide position 364. The valine at codon 122 is replaced by methionine, an amino acid with highly similar properties. This amino acid position is conserved. In addition, the in silico prediction for this alteration is inconclusive. Since supporting evidence is limited at this time, the clinical significance of this alteration remains unclear.

Genome Diagnostics Laboratory, The Hospital for Sick Children
Classification: Uncertain significance for Noonan syndrome and Noonan-related syndrome. Last evaluated: 2020-05-01. Review status: criteria provided, single submitter. Criteria: ACMG Guidelines, 2015. Collection method: clinical testing. Allele origin: germline.

Genome-Nilou Lab
Classification: Uncertain significance for Noonan syndrome 9. Review status: criteria provided, single submitter. Criteria: ACMG Guidelines, 2015. Collection method: clinical testing. Allele origin: germline.

NM_006939.4(SOS2):c.364G>A (p.Val122Met)

Gene: SOS2 (SOS Ras/Rho guanine nucleotide exchange factor 2; minus strand). Cytogenetic location: 14q21.3.
Variant type: single nucleotide variant.
Coding change: c.364G>A on transcript NM_006939.4 (MANE Select); coding-DNA position 364, G replaced by A.
Protein change: p.Val122Met; replaces valine 122 with methionine.
Molecular consequence: missense variant.
Genome position (GRCh38, 1-based): chr14:50,199,837, C>T on the plus strand (G>A on the coding strand, the complement: SOS2 is on the minus strand). VCF-style: chr14-50199837-C-T. GRCh37 (hg19) VCF-style: chr14-50666555-C-T.
Other names: short protein forms V122M.
Identifiers: ClinVar variation 1009920 (VCV001009920.15), dbSNP rs1208838203, ClinGen allele CA389649762.